The following is an entry in ClinVar:

ClinVar aggregate classification (germline): Conflicting classifications of pathogenicity. Review status: criteria provided, conflicting classifications (1 of 4 stars). 4 submissions from 4 submitters: Uncertain significance (2); Likely benign (1). 1 of the submissions does not count toward it. Last evaluated 2025-12-13.

Conditions:
Hereditary spastic paraplegia 30. Identifiers: Orphanet 101010, MedGen C5235139, MONDO:0012476.
Neuropathy, hereditary sensory, type 2C. Also called: Hereditary sensory and autonomic neuropathy type IIC; KIF1A-Related HSAN2 (HSAN2C). Identifiers: Orphanet 970, MedGen C3280168, MONDO:0013634, OMIM 614213.
Intellectual disability, autosomal dominant 9 (NESCAVS). Also called: KIF1A-Related Neurodevelopmental Disorder; NESCAV SYNDROME. Identifiers: Orphanet 662367, MedGen C5393830, MONDO:0013656, OMIM 614255.
Intellectual disability. Also called: intellectual disabilities; Intellectual functioning disability; Intellectual developmental disorder. Identifiers: MedGen C3714756, MeSH D008607, MONDO:0001071, HP:0001249.

Allele frequency attached by ClinVar (database versions not stated): gnomAD 0.00005; gnomAD exomes 0.00006; TOPMed 0.00006.
gnomAD v4.1: 93 of 1,613,330 alleles (0.0058%); highest among the groups gnomAD compares: Admixed American, 0.028%; no homozygotes.

Submissions (4):

Labcorp Genetics (formerly Invitae), Labcorp
Classification: Likely benign for Hereditary spastic paraplegia 30; Neuropathy, hereditary sensory, type 2C; Intellectual disability, autosomal dominant 9. Last evaluated: 2025-12-13. Review status: criteria provided, single submitter. Criteria: Invitae Variant Classification Sherloc (09022015). Collection method: clinical testing. Allele origin: germline.

CeGaT Center for Human Genetics Tuebingen
Classification: Uncertain significance. Last evaluated: 2024-09-01. Review status: criteria provided, single submitter. Criteria: CeGaT Center For Human Genetics Tuebingen Variant Classification Criteria Version 2. Collection method: clinical testing. Allele origin: germline. Affected: yes. Observed: 1 variant allele.
Comment: KIF1A: PM2

GeneDx
Classification: Uncertain significance. Last evaluated: 2024-07-22. Review status: criteria provided, single submitter. Criteria: GeneDx Variant Classification Process June 2021. Collection method: clinical testing. Allele origin: germline. Affected: yes.
Comment: Has not been previously reported as pathogenic or benign to our knowledge; In silico analysis indicates that this missense variant does not alter protein structure/function

Centre de Biologie Pathologie Génétique, Centre Hospitalier Universitaire de Lille
Classification: Likely benign for Intellectual disability. Last evaluated: 2019-01-01. Review status: no assertion criteria provided. Collection method: clinical testing. Allele origin: inherited. Affected: yes. Not counted in ClinVar's aggregate classification.

NM_001244008.2(KIF1A):c.3010G>A (p.Val1004Ile)

Gene: KIF1A (kinesin family member 1A; minus strand). Cytogenetic location: 2q37.3.
Variant type: single nucleotide variant.
Coding change: c.3010G>A on transcript NM_001244008.2 (MANE Select); coding-DNA position 3010, G replaced by A.
Protein change: p.Val1004Ile; replaces valine 1004 with isoleucine.
Molecular consequence: missense variant.
Genome position (GRCh38, 1-based): chr2:240,747,289, C>T on the plus strand (G>A on the coding strand, the complement: KIF1A is on the minus strand). VCF-style: chr2-240747289-C-T. GRCh37 (hg19) VCF-style: chr2-241686706-C-T.
Other names: c.2734G>A, p.Val912Ile (NM_001320705.2, NM_001330289.2, NM_001379638.1); c.2809G>A, p.Val937Ile (NM_001330290.2, NM_001379634.1, NM_001379635.1 and 1 more transcripts); c.3085G>A, p.Val1029Ile (NM_001379631.1); c.2959G>A, p.Val987Ile (NM_001379632.1); c.2983G>A, p.Val995Ile (NM_001379633.1, NM_001379642.1, NM_001379645.1); c.2707G>A, p.Val903Ile (NM_001379636.1, NM_001379639.1, NM_001379640.1 and 6 more transcripts); c.2782G>A, p.Val928Ile (NM_001379637.1, NM_001379648.1); short protein forms V1004I, V903I, V912I, V937I, V1029I, V928I, V987I, V995I.
Identifiers: ClinVar variation 432565 (VCV000432565.29), dbSNP rs763669401, ClinGen allele CA2207937.
Genomic context (GRCh38, chr2:240,747,289, plus strand): 5'-TTGGTACCTTTTCAAAATGCTGGTCATCAAAGGAGATTTTAGCAGTTCCCGACTGGCGGA[C>T]GCCAGAGCCATAATCAGGGGCCTCTTCATCGGCTGCAGGAGAAACAGAGCAAATGGTTGG-3'
Protein context (NP_001230937.1, residues 994-1014): DEEAPDYGSG[Val1004Ile]RQSGTAKISF